The following is an entry in ClinVar:

ClinVar aggregate classification (germline): Conflicting classifications of pathogenicity. Review status: criteria provided, conflicting classifications (1 of 4 stars). 2 submissions from 2 submitters: Likely pathogenic (1); Uncertain significance (1). Last evaluated 2020-10-01.

Conditions:
Cardiovascular phenotype. Identifiers: MedGen CN230736.

Submissions (2):

GeneDx
Classification: Uncertain significance. Last evaluated: 2020-10-01. Review status: criteria provided, single submitter. Criteria: GeneDx Variant Classification Process June 2021. Collection method: clinical testing. Allele origin: germline. Affected: yes.
Comment: Not observed in large population cohorts (Lek et al., 2016); In silico analysis supports that this missense variant has a deleterious effect on protein structure/function; This variant is associated with the following publications: (PMID: 28449774)

Ambry Genetics
Classification: Likely pathogenic for Cardiovascular phenotype. Last evaluated: 2018-11-06. Review status: criteria provided, single submitter. Criteria: Ambry Variant Classification Scheme 2023. Collection method: clinical testing. Allele origin: germline.
Comment: The p.P507L variant (also known as c.1520C>T), located in coding exon 6 of the KCNH2 gene, results from a C to T substitution at nucleotide position 1520. The proline at codon 507 is replaced by leucine, an amino acid with similar properties. Internal structural analysis indicates this alteration lies in the S3 alpha helix of the voltage sensing domain and suggests this variant to be structurally disruptive (Long SB. Nature. 2007;450(7168):376-82). Another variant affecting this codon (p.P507T, c.1519C>A) was detected in compound heterozygosity with a second KCNH2 alteration in a proband reported to have prolonged QT interval, sudden cardiac death events, and syncope; however, clinical details were limited (Burgos M et al. Mol Diagn Ther. 2016;20:353-62). This amino acid position is highly conserved in available vertebrate species. In addition, this alteration is predicted to be deleterious by in silico analysis. Based on the majority of available evidence to date, this variant is likely to be pathogenic.

Literature cited by the submitters: PubMed 27251404 (cited by Ambry Genetics); PubMed 28449774 (cited by Ambry Genetics).

NM_000238.4(KCNH2):c.1520C>T (p.Pro507Leu)

Gene: KCNH2 (potassium voltage-gated channel subfamily H member 2; minus strand). Cytogenetic location: 7q36.1.
Variant type: single nucleotide variant.
Coding change: c.1520C>T on transcript NM_000238.4 (MANE Select); coding-DNA position 1520, C replaced by T.
Protein change: p.Pro507Leu; replaces proline 507 with leucine.
Molecular consequence: missense variant.
Genome position (GRCh38, 1-based): chr7:150,952,462, G>A on the plus strand (C>T on the coding strand, the complement: KCNH2 is on the minus strand). VCF-style: chr7-150952462-G-A. GRCh37 (hg19) VCF-style: chr7-150649550-G-A.
Other names: p.P507L:CCC>CTC; c.500C>T, p.Pro167Leu (NM_001204798.2, NM_172057.3); c.1232C>T, p.Pro411Leu (NM_001406753.1, NM_001406756.1); c.1343C>T, p.Pro448Leu (NM_001406755.1); c.1220C>T, p.Pro407Leu (NM_001406757.1); c.1520C>T, p.Pro507Leu (NM_172056.3); short protein forms P167L, P507L, P407L, P448L, P411L.
Identifiers: ClinVar variation 200352 (VCV000200352.7), dbSNP rs794728372, ClinGen allele CA004761.